The following is an entry in ClinVar:

NM_000256.3(MYBPC3):c.2540A>G (p.Tyr847Cys)

Gene: MYBPC3 (myosin binding protein C3; minus strand). Cytogenetic location: 11p11.2.
Variant type: single nucleotide variant.
Coding change: c.2540A>G on transcript NM_000256.3 (MANE Select); coding-DNA position 2540, A replaced by G.
Protein change: p.Tyr847Cys; replaces tyrosine 847 with cysteine.
Molecular consequence: missense variant.
Genome position (GRCh38, 1-based): chr11:47,337,453, T>C on the plus strand (A>G on the coding strand, the complement: MYBPC3 is on the minus strand). VCF-style: chr11-47337453-T-C. GRCh37 (hg19) VCF-style: chr11-47359004-T-C.
Other names: short protein forms Y847C.
Identifiers: ClinVar variation 927852 (VCV000927852.5), dbSNP rs864622071, ClinGen allele CA380318163.

ClinVar aggregate classification (germline): Uncertain significance (1 of 4 stars; one submission).

Conditions:
Cardiomyopathy (CMYO). Also called: Cardiomyopathies. Identifiers: Orphanet 167848, MedGen C0878544, MONDO:0004994, HP:0001638. Inheritance: Various modes of inheritance.

gnomAD v4.1: 1 of 1,613,404 alleles (0.000062%); highest among the groups gnomAD compares: Non-Finnish European, 0.000085%; no homozygotes.

Submission:

Color Diagnostics, LLC DBA Color Health
Classification: Uncertain significance for Cardiomyopathy. Last evaluated: 2023-12-04. Review status: criteria provided, single submitter. Criteria: ACMG Guidelines, 2015. Collection method: clinical testing. Allele origin: germline.
Comment: Variant of Uncertain Significance due to insufficient evidence: This missense variant is located in the fibronectin type 3 domain C6 of the MYBPC3 protein. Computational prediction tools and conservation analyses are inconclusive regarding the impact of this variant on the protein function. Computational splicing tools suggest that this variant may not impact RNA splicing. To our knowledge, functional assays have not been performed for this variant nor has this variant been reported in individuals affected with cardiovascular disorders in the literature. This variant is rare in the general population and has been identified in 0/277264 chromosomes by the Genome Aggregation Database (gnomAD). Available evidence is insufficient to determine the pathogenicity of this variant conclusively.